The following is an entry in ClinVar:

ClinVar aggregate classification (germline): Uncertain significance (1 of 4 stars; one submission).

Conditions:
Inborn genetic diseases. Identifiers: MedGen C0950123, MeSH D030342.

Submission:

Ambry Genetics
Classification: Uncertain significance for Inborn genetic diseases. Last evaluated: 2025-11-16. Review status: criteria provided, single submitter. Criteria: Ambry Variant Classification Scheme 2023. Collection method: clinical testing. Allele origin: germline.
Comment: The p.Y927F variant (also known as c.2780A>T), located in coding exon 1 of the SAMD9 gene, results from an A to T substitution at nucleotide position 2780. The tyrosine at codon 927 is replaced by phenylalanine, an amino acid with highly similar properties. This amino acid position is conserved. In addition, this alteration is predicted to be tolerated by in silico analysis. Based on the available evidence, the clinical significance of this variant remains unclear.

NM_017654.4(SAMD9):c.2780A>T (p.Tyr927Phe)

Gene: SAMD9 (sterile alpha motif domain containing 9; minus strand). Cytogenetic location: 7q21.2.
Variant type: single nucleotide variant.
Coding change: c.2780A>T on transcript NM_017654.4 (MANE Select); coding-DNA position 2780, A replaced by T.
Protein change: p.Tyr927Phe; replaces tyrosine 927 with phenylalanine.
Molecular consequence: missense variant.
Genome position (GRCh38, 1-based): chr7:93,103,318, T>A on the plus strand (A>T on the coding strand, the complement: SAMD9 is on the minus strand). VCF-style: chr7-93103318-T-A. GRCh37 (hg19) VCF-style: chr7-92732631-T-A.
Other names: c.2780A>T, p.Tyr927Phe (NM_001193307.2); short protein forms Y927F.
Identifiers: ClinVar variation 4629946 (VCV004629946.1).